The following is an entry in ClinVar:

ClinVar aggregate classification (germline): Pathogenic (1 of 4 stars; one submission).

Submission:

Labcorp Genetics (formerly Invitae), Labcorp
Classification: Pathogenic. Last evaluated: 2026-01-18. Review status: criteria provided, single submitter. Criteria: Invitae Variant Classification Sherloc (09022015). Collection method: clinical testing. Allele origin: germline.
Comment: This sequence change creates a premature translational stop signal (p.Leu1090Trpfs*15) in the ANK1 gene. It is expected to result in an absent or disrupted protein product. Loss-of-function variants in ANK1 are known to be pathogenic (PMID: 8640229). This variant is not present in population databases (gnomAD no frequency). This variant has not been reported in the literature in individuals affected with ANK1-related conditions. For these reasons, this variant has been classified as Pathogenic.

Literature cited by the submitters: PubMed 8640229.

NM_000037.4(ANK1):c.3268del (p.Leu1090fs)

Gene: ANK1 (ankyrin 1; minus strand). Cytogenetic location: 8p11.21.
Variant type: Deletion.
Coding change: c.3268del on transcript NM_000037.4 (MANE Select); coding-DNA position 3268, one base deleted (C; older notation c.3268delC).
Protein change: p.Leu1090fs; shifts the reading frame from leucine 1090.
Molecular consequence: frameshift variant.
Genome position (GRCh38, 1-based): chr8:41,694,651, G deleted on the plus strand (C on the coding strand, the reverse complement: ANK1 is on the minus strand); the first of 4 consecutive G bases (chr8:41,694,651-41,694,654); deleting any one gives the same sequence. VCF-style (leftmost placement, unchanged base first): chr8-41694650-AG-A. GRCh37 (hg19) VCF-style: chr8-41552168-AG-A.
Other names: c.3391del, p.Leu1131fs (NM_001142446.2); c.3268del, p.Leu1090fs (NM_020475.3, NM_020476.3, NM_020477.3); short protein forms L1131fs, L1090fs.
Identifiers: ClinVar variation 4735583 (VCV004735583.1).